The following is an entry in ClinVar:

ClinVar aggregate classification (germline): Pathogenic (1 of 4 stars; one submission).

Submission:

GeneDx
Classification: Pathogenic. Last evaluated: 2025-01-31. Review status: criteria provided, single submitter. Criteria: GeneDx Variant Classification Process June 2021. Collection method: clinical testing. Allele origin: germline. Affected: yes.
Comment: Frameshift variant predicted to result in protein truncation or nonsense mediated decay in a gene for which loss-of-function is a known mechanism of disease; Not observed at significant frequency in large population cohorts (gnomAD); Has not been previously published as pathogenic or benign to our knowledge

NM_005121.3(MED13):c.3465_3466del (p.Cys1155fs)

Gene: MED13 (mediator complex subunit 13; minus strand). Cytogenetic location: 17q23.2.
Variant type: Microsatellite.
Coding change: c.3465_3466del on transcript NM_005121.3 (MANE Select); coding-DNA positions 3465 to 3466, 2 bases deleted (TG; older notation c.3465_3466delTG).
Protein change: p.Cys1155fs; shifts the reading frame from cysteine 1155.
Molecular consequence: frameshift variant.
Genome position (GRCh38, 1-based): chr17:61,982,537-61,982,538, CA deleted on the plus strand (TG on the coding strand, the reverse complement: MED13 is on the minus strand); deleting any 2 consecutive bases within chr17:61,982,537-61,982,540 gives the same sequence; the c. name uses the placement nearest the transcript's 3' end. VCF-style (leftmost placement, unchanged base first): chr17-61982536-CCA-C. GRCh37 (hg19) VCF-style: chr17-60059897-CCA-C.
Other names: c.3465_3466delTG (NM_005121.2); c.3465_3466del (NM_005121.2); short protein forms C1155fs.
Identifiers: ClinVar variation 1198348 (VCV001198348.3), dbSNP rs2143459289, ClinGen allele CA2580613209.